The following is an entry in ClinVar:

NM_015338.6(ASXL1):c.4494G>A (p.Thr1498=)

Gene: ASXL1 (ASXL transcriptional regulator 1; plus strand). Cytogenetic location: 20q11.21.
Variant type: single nucleotide variant.
Coding change: c.4494G>A on transcript NM_015338.6 (MANE Select); coding-DNA position 4494, G replaced by A.
Protein change: p.Thr1498=; no amino-acid change (threonine 1498 retained).
Molecular consequence: synonymous variant.
Genome position (GRCh38, 1-based): chr20:32,437,206, G>A. VCF-style: chr20-32437206-G-A. GRCh37 (hg19) VCF-style: chr20-31025009-G-A.
Other names: c.4311G>A, p.Thr1437= (NM_001363734.1).
Identifiers: ClinVar variation 1196609 (VCV001196609.12), dbSNP rs138417690, ClinGen allele CA9809037.

ClinVar aggregate classification (germline): Likely benign. Review status: criteria provided, multiple submitters, no conflicts (2 of 4 stars). 4 submissions from 4 submitters: Likely benign (3). 1 of the submissions does not count toward it. Last evaluated 2025-12-13.

Conditions:
ASXL1-related disorder. Also called: ASXL1-related condition; ASXL1-related disorders.
Inborn genetic diseases. Identifiers: MedGen C0950123, MeSH D030342.

Allele frequency attached by ClinVar (database versions not stated): ExAC 0.00002; gnomAD exomes 0.00007; ESP Exome Variant Server 0.00008; gnomAD 0.00012 and 0.00014; 1000 Genomes Project 0.00020; TOPMed 0.00025; 1000 Genomes Project 30x 0.00031.
gnomAD v4.1: 104 of 1,613,544 alleles (0.0064%); highest among the groups gnomAD compares: Admixed American, 0.055%; no homozygotes.

Submissions (4):

Labcorp Genetics (formerly Invitae), Labcorp
Classification: Likely benign. Last evaluated: 2025-12-13. Review status: criteria provided, single submitter. Criteria: Invitae Variant Classification Sherloc (09022015). Collection method: clinical testing. Allele origin: germline.

Ambry Genetics
Classification: Likely benign for Inborn genetic diseases. Last evaluated: 2024-11-20. Review status: criteria provided, single submitter. Criteria: Ambry Variant Classification Scheme 2023. Collection method: clinical testing. Allele origin: germline.

GeneDx
Classification: Likely benign. Last evaluated: 2020-12-30. Review status: criteria provided, single submitter. Criteria: GeneDx Variant Classification Process June 2021. Collection method: clinical testing. Allele origin: germline. Affected: yes.

PreventionGenetics, part of Exact Sciences
Classification: Likely benign for ASXL1-related condition. Last evaluated: 2024-09-04. Review status: no assertion criteria provided. Collection method: clinical testing. Allele origin: germline. Not counted in ClinVar's aggregate classification.
Comment: This variant is classified as likely benign based on ACMG/AMP sequence variant interpretation guidelines (Richards et al. 2015 PMID: 25741868, with internal and published modifications).